The following is an entry in ClinVar:

NM_020884.7(MYH7B):c.3850C>T (p.Arg1284Cys)

Gene: MYH7B (myosin heavy chain 7B; plus strand). Cytogenetic location: 20q11.22.
Variant type: single nucleotide variant.
Coding change: c.3850C>T on transcript NM_020884.7 (MANE Select); coding-DNA position 3850, C replaced by T.
Protein change: p.Arg1284Cys; replaces arginine 1284 with cysteine.
Molecular consequence: missense variant.
Genome position (GRCh38, 1-based): chr20:34,998,397, C>T. VCF-style: chr20-34998397-C-T. GRCh37 (hg19) VCF-style: chr20-33586200-C-T.
Other names: short protein forms R1284C.
Identifiers: ClinVar variation 4977299 (VCV004977299.1).

ClinVar aggregate classification (germline): Uncertain significance (1 of 4 stars; one submission).

Conditions:
MYH7B-related disorder. Also called: MYH7B-related condition.

gnomAD v4.1: 17 of 1,613,228 alleles (0.0011%); highest among the groups gnomAD compares: African/African-American, 0.012%; no homozygotes.

Submission:

PreventionGenetics, part of Exact Sciences
Classification: Uncertain significance for MYH7B-related condition. Last evaluated: 2026-03-09. Review status: criteria provided, single submitter. Criteria: ACMG Guidelines, 2015. Collection method: clinical testing. Allele origin: germline.
Comment: The MYH7B c.3976C>T variant is predicted to result in the amino acid substitution p.Arg1326Cys. To our knowledge, this variant has not been reported in the literature. This variant is reported in 0.019% of alleles in individuals of African descent in gnomAD. At this time, the clinical significance of this variant is uncertain due to the absence of conclusive functional and genetic evidence.